The following is an entry in ClinVar:

ClinVar aggregate classification (germline): Pathogenic. Review status: criteria provided, single submitter (1 of 4 stars). 2 submissions from 1 submitter: Pathogenic (1). 1 of the submissions does not count toward it. Last evaluated 2021-10-06.

Conditions:
Jeune thoracic dystrophy. Also called: Short-rib thoracic dysplasia; Jeune syndrome; Infantile thoracic dystrophy; Thoracic pelvic phalangeal dystrophy; Jeune's syndrome; Chondroectodermal dysplasia-like syndrome. Identifiers: Orphanet 474, MedGen C0265275, MONDO:0018770.

Submissions (2):

Labcorp Genetics (formerly Invitae), Labcorp
Classification: Pathogenic. Last evaluated: 2021-10-06. Review status: criteria provided, single submitter. Criteria: Invitae Variant Classification Sherloc (09022015). Collection method: clinical testing. Allele origin: germline.
Comment: A gross deletion of the genomic region encompassing the full coding sequence of the MMP13 gene has been identified. Loss-of-function variants in MMP13 are known to be pathogenic (PMID: 24781753, 31413057). The boundaries of this event are unknown as they extend beyond the assayed region for this gene and therefore may encompass additional genes. This variant has not been reported in the literature in individuals affected with MMP13-related conditions. For these reasons, this variant has been classified as Pathogenic.

Labcorp Genetics (formerly Invitae), Labcorp
Classification: Pathogenic for Jeune thoracic dystrophy. Last evaluated: 2021-10-06. Review status: flagged submission. Criteria: Invitae Variant Classification Sherloc (09022015). Collection method: clinical testing. Allele origin: germline. Not counted in ClinVar's aggregate classification.
Comment: A gross deletion of the genomic region encompassing the full coding sequence of the DYNC2H1 gene has been identified. Loss-of-function variants in DYNC2H1 are known to be pathogenic (PMID: 23339108, 32753734). The boundaries of this event are unknown as they extend beyond the assayed region for this gene and therefore may encompass additional genes. This variant has not been reported in the literature in individuals affected with DYNC2H1-related conditions. For these reasons, this variant has been classified as Pathogenic.
ClinVar note: Reason: This record appears to be redundant with a more recent record from the same submitter.
ClinVar note: Notes: SCV002228675 appears to be redundant with SCV002242470.

Literature cited by the submitters: PubMed 24781753; PubMed 31413057; PubMed 23339108; PubMed 32753734.

NC_000011.9:g.(?_101323686)_(103349981_?)del

Genes: MMP10 (matrix metallopeptidase 10; minus strand), BIRC2 (baculoviral IAP repeat containing 2; plus strand), MMP1 (matrix metallopeptidase 1; minus strand), DCUN1D5 (defective in cullin neddylation 1 domain containing 5; minus strand), YAP1 (Yes1 associated transcriptional regulator; plus strand) and 14 more. Cytogenetic location: 11q22.1-22.3.
Variant type: Deletion.
Identifiers: ClinVar variation 1455268 (VCV001455268.3).